The following is an entry in ClinVar:

ClinVar aggregate classification (germline): Uncertain significance. Review status: criteria provided, multiple submitters, no conflicts (2 of 4 stars). 2 submissions from 2 submitters: Uncertain significance (2). Last evaluated 2024-07-16.

Conditions:
Nemaline myopathy 2 (NEM2). Also called: Nemaline myopathy 2, autosomal recessive. Identifiers: MedGen C1850569, MONDO:0009725, OMIM 256030.
Inborn genetic diseases. Identifiers: MedGen C0950123, MeSH D030342.

Submissions (2):

Ambry Genetics
Classification: Uncertain significance for Inborn genetic diseases. Last evaluated: 2024-07-16. Review status: criteria provided, single submitter. Criteria: Ambry Variant Classification Scheme 2023. Collection method: clinical testing. Allele origin: germline.

Labcorp Genetics (formerly Invitae), Labcorp
Classification: Uncertain significance for Nemaline myopathy 2. Last evaluated: 2024-05-04. Review status: criteria provided, single submitter. Criteria: Invitae Variant Classification Sherloc (09022015). Collection method: clinical testing. Allele origin: germline.
Comment: This sequence change replaces asparagine, which is neutral and polar, with tyrosine, which is neutral and polar, at codon 6373 of the NEB protein (p.Asn6373Tyr). This variant is not present in population databases (gnomAD no frequency). This variant has not been reported in the literature in individuals affected with NEB-related conditions. Experimental studies and prediction algorithms are not available or were not evaluated, and the functional significance of this variant is currently unknown. In summary, the available evidence is currently insufficient to determine the role of this variant in disease. Therefore, it has been classified as a Variant of Uncertain Significance.

NM_001164508.2(NEB):c.19117A>T (p.Asn6373Tyr)

Gene: NEB (nebulin; minus strand). Cytogenetic location: 2q23.3.
Variant type: single nucleotide variant.
Coding change: c.19117A>T on transcript NM_001164508.2 (MANE Select); coding-DNA position 19117, A replaced by T.
Protein change: p.Asn6373Tyr; replaces asparagine 6373 with tyrosine.
Molecular consequence: missense variant.
Genome position (GRCh38, 1-based): chr2:151,561,093, T>A on the plus strand (A>T on the coding strand, the complement: NEB is on the minus strand). VCF-style: chr2-151561093-T-A. GRCh37 (hg19) VCF-style: chr2-152417607-T-A.
Other names: c.19117A>T, p.Asn6373Tyr (NM_001164507.2, NM_001271208.2); c.14014A>T, p.Asn4672Tyr (NM_004543.5); short protein forms N6373Y, N4672Y.
Identifiers: ClinVar variation 3403949 (VCV003403949.3).